The following is an entry in ClinVar:

ClinVar aggregate classification (germline): Uncertain significance (1 of 4 stars; one submission).

Submission:

Dasa
Classification: Uncertain significance. Last evaluated: 2025-02-24. Review status: criteria provided, single submitter. Criteria: DASA Assertion Criteria. Collection method: clinical testing. Allele origin: germline.
Comment: NM_003619.4(PRSS12):c.478dup (p.Trp160Leufs*19) is a frameshift variant in PRSS12 predicted to alter the reading frame and introduce a premature termination codon. This variant is rare in population databases. The currently available literature and clinical evidence are not sufficient to establish a definitive association between this variant and the reported condition. Therefore, this variant is classified as a variant of uncertain significance.

NM_003619.4(PRSS12):c.478dup (p.Trp160fs)

Gene: PRSS12 (serine protease 12; minus strand). Cytogenetic location: 4q26.
Variant type: Duplication.
Coding change: c.478dup on transcript NM_003619.4 (MANE Select); coding-DNA position 478, one base duplicated (T; older notation c.478dupT).
Protein change: p.Trp160fs; shifts the reading frame from tryptophan 160.
Molecular consequence: frameshift variant.
Genome position (GRCh38, 1-based): chr4:118,352,243, A duplicated on the plus strand (T on the coding strand, the reverse complement: PRSS12 is on the minus strand). VCF-style (leftmost placement, unchanged base first): chr4-118352242-C-CA. GRCh37 (hg19) VCF-style: chr4-119273397-C-CA.
Other names: c.478dup, p.Trp160fs (NM_001440549.1, NM_001440550.1, NM_001440551.1); short protein forms W160fs.
Identifiers: ClinVar variation 4883855 (VCV004883855.2).